The following is an entry in ClinVar:

ClinVar aggregate classification (germline): Likely benign. Review status: criteria provided, multiple submitters, no conflicts (2 of 4 stars). 2 submissions from 2 submitters: Likely benign (2). Last evaluated 2026-08-01.

gnomAD v4.1: 10 of 1,613,730 alleles (0.00062%); highest among the groups gnomAD compares: South Asian, 0.0033%; no homozygotes.

Submissions (2):

CeGaT Center for Human Genetics Tuebingen
Classification: Likely benign. Last evaluated: 2026-08-01. Review status: criteria provided, single submitter. Criteria: CeGaT Center For Human Genetics Tuebingen Variant Classification Criteria Version 2. Collection method: clinical testing. Allele origin: germline. Affected: yes. Observed: 1 variant allele.
Comment: EFTUD2: BP4, BP7

Labcorp Genetics (formerly Invitae), Labcorp
Classification: Likely benign. Last evaluated: 2025-03-20. Review status: criteria provided, single submitter. Criteria: Invitae Variant Classification Sherloc (09022015). Collection method: clinical testing. Allele origin: germline.

NM_004247.4(EFTUD2):c.1587C>T (p.Arg529=)

Gene: EFTUD2 (elongation factor Tu GTP binding domain containing 2; minus strand). Cytogenetic location: 17q21.31.
Variant type: single nucleotide variant.
Coding change: c.1587C>T on transcript NM_004247.4 (MANE Select); coding-DNA position 1587, C replaced by T.
Protein change: p.Arg529=; no amino-acid change (arginine 529 retained).
Molecular consequence: synonymous variant.
Genome position (GRCh38, 1-based): chr17:44,862,733, G>A on the plus strand (C>T on the coding strand, the complement: EFTUD2 is on the minus strand). VCF-style: chr17-44862733-G-A. GRCh37 (hg19) VCF-style: chr17-42940101-G-A.
Other names: c.1482C>T, p.Arg494= (NM_001142605.2); c.1587C>T, p.Arg529= (NM_001258353.2); c.1557C>T, p.Arg519= (NM_001258354.2).
Identifiers: ClinVar variation 3616837 (VCV003616837.3).